The following is an entry in ClinVar:

NM_001103.4(ACTN2):c.988C>G (p.His330Asp)

Gene: ACTN2 (actinin alpha 2; plus strand). Cytogenetic location: 1q43.
Variant type: single nucleotide variant.
Coding change: c.988C>G on transcript NM_001103.4 (MANE Select); coding-DNA position 988, C replaced by G.
Protein change: p.His330Asp; replaces histidine 330 with aspartic acid.
Molecular consequence: missense variant.
Genome position (GRCh38, 1-based): chr1:236,739,413, C>G. VCF-style: chr1-236739413-C-G. GRCh37 (hg19) VCF-style: chr1-236902713-C-G.
Other names: c.988C>G, p.His330Asp (NM_001278343.2); c.364C>G, p.His122Asp (NM_001278344.2); c.238C>G, p.His80Asp (NM_001412150.1); short protein forms H122D, H80D, H330D.
Identifiers: ClinVar variation 1768496 (VCV001768496.2), dbSNP rs2527599602, ClinGen allele CA345380466.

ClinVar aggregate classification (germline): Uncertain significance (1 of 4 stars; one submission).

Conditions:
Cardiovascular phenotype. Identifiers: MedGen CN230736.

Submission:

Ambry Genetics
Classification: Uncertain significance for Cardiovascular phenotype. Last evaluated: 2022-01-05. Review status: criteria provided, single submitter. Criteria: Ambry Variant Classification Scheme 2023. Collection method: clinical testing. Allele origin: germline.
Comment: The p.H330D variant (also known as c.988C>G), located in coding exon 10 of the ACTN2 gene, results from a C to G substitution at nucleotide position 988. The histidine at codon 330 is replaced by aspartic acid, an amino acid with similar properties. This amino acid position is conserved. In addition, the in silico prediction for this alteration is inconclusive. Since supporting evidence is limited at this time, the clinical significance of this alteration remains unclear.